The following is an entry in ClinVar:

ClinVar aggregate classification (germline): Benign. Review status: criteria provided, multiple submitters, no conflicts (2 of 4 stars). 4 submissions from 4 submitters: Benign (3). 1 of the submissions does not count toward it. Last evaluated 2026-03-01.

Conditions:
ECM1-related disorder. Also called: ECM1-related condition.

Allele frequency attached by ClinVar (database versions not stated): 1000 Genomes Project 0.00200; 1000 Genomes Project 30x 0.00234; gnomAD exomes 0.00721 and 0.00904; ExAC 0.00749; gnomAD 0.00764 and 0.00819; TOPMed 0.00770; ESP Exome Variant Server 0.00784.

Submissions (4):

CeGaT Center for Human Genetics Tuebingen
Classification: Benign. Last evaluated: 2026-03-01. Review status: criteria provided, single submitter. Criteria: CeGaT Center For Human Genetics Tuebingen Variant Classification Criteria Version 2. Collection method: clinical testing. Allele origin: germline. Affected: yes. Observed: 6 variant alleles.
Comment: ECM1: BS1, BS2

Labcorp Genetics (formerly Invitae), Labcorp
Classification: Benign. Last evaluated: 2019-12-31. Review status: criteria provided, single submitter. Criteria: Invitae Variant Classification Sherloc (09022015). Collection method: clinical testing. Allele origin: germline.

Breakthrough Genomics
Classification: Benign. Review status: criteria provided, single submitter. Criteria: ACMG Guidelines, 2015. Collection method: not provided. Allele origin: germline. Inheritance: Autosomal recessive inheritance. Affected: yes.

PreventionGenetics, part of Exact Sciences
Classification: Benign for ECM1-related condition. Last evaluated: 2019-09-24. Review status: no assertion criteria provided. Collection method: clinical testing. Allele origin: germline. Not counted in ClinVar's aggregate classification.
Comment: This variant is classified as benign based on ACMG/AMP sequence variant interpretation guidelines (Richards et al. 2015 PMID: 25741868, with internal and published modifications).

NM_004425.4(ECM1):c.130G>A (p.Ala44Thr)

Gene: ECM1 (extracellular matrix protein 1; plus strand). Cytogenetic location: 1q21.2.
Variant type: single nucleotide variant.
Coding change: c.130G>A on transcript NM_004425.4 (MANE Select); coding-DNA position 130, G replaced by A.
Protein change: p.Ala44Thr; replaces alanine 44 with threonine.
Molecular consequence: missense variant.
Genome position (GRCh38, 1-based): chr1:150,509,669, G>A. VCF-style: chr1-150509669-G-A. GRCh37 (hg19) VCF-style: chr1-150482145-G-A.
Other names: c.130G>A, p.Ala44Thr (NM_001202858.2, NM_022664.3); short protein forms A44T.
Identifiers: ClinVar variation 777102 (VCV000777102.20), dbSNP rs145971597, ClinGen allele CA1077321.